The following is an entry in ClinVar:

NM_000522.5(HOXA13):c.796C>T (p.His266Tyr)

Genes: HOXA13 (homeobox A13; minus strand), LOC107126288 (NUP98-HOXA13 recombination region; plus strand). Cytogenetic location: 7p15.2.
Variant type: single nucleotide variant.
Coding change: c.796C>T on transcript NM_000522.5 (MANE Select); coding-DNA position 796, C replaced by T.
Protein change: p.His266Tyr; replaces histidine 266 with tyrosine.
Molecular consequence: missense variant.
Genome position (GRCh38, 1-based): chr7:27,199,282, G>A on the plus strand (C>T on the coding strand, the complement: HOXA13 is on the minus strand). VCF-style: chr7-27199282-G-A. GRCh37 (hg19) VCF-style: chr7-27238901-G-A.
Other names: short protein forms H266Y.
Identifiers: ClinVar variation 4772527 (VCV004772527.1).

ClinVar aggregate classification (germline): Uncertain significance (1 of 4 stars; one submission).

Submission:

Labcorp Genetics (formerly Invitae), Labcorp
Classification: Uncertain significance. Last evaluated: 2026-01-02. Review status: criteria provided, single submitter. Criteria: Invitae Variant Classification Sherloc (09022015). Collection method: clinical testing. Allele origin: germline.
Comment: This sequence change replaces histidine, which is basic and polar, with tyrosine, which is neutral and polar, at codon 266 of the HOXA13 protein (p.His266Tyr). This variant is not present in population databases (gnomAD no frequency). This variant has not been reported in the literature in individuals affected with HOXA13-related conditions. Invitae Evidence Modeling of protein sequence and biophysical properties (such as structural, functional, and spatial information, amino acid conservation, physicochemical variation, residue mobility, and thermodynamic stability) indicates that this missense variant is not expected to disrupt HOXA13 protein function with a negative predictive value of 80%. In summary, the available evidence is currently insufficient to determine the role of this variant in disease. Therefore, it has been classified as a Variant of Uncertain Significance.